The following is an entry in ClinVar:

NM_021870.3(FGG):c.*535A>G

Gene: FGG (fibrinogen gamma chain; minus strand). Cytogenetic location: 4q32.1.
Variant type: single nucleotide variant.
Coding change: c.*535A>G on transcript NM_021870.3 (MANE Select); 535 bases downstream of the stop codon, A replaced by G.
Molecular consequence: 3 prime UTR variant.
Genome position (GRCh38, 1-based): chr4:154,604,299, T>C on the plus strand (A>G on the coding strand, the complement: FGG is on the minus strand). VCF-style: chr4-154604299-T-C. GRCh37 (hg19) VCF-style: chr4-155525451-T-C.
Other names: c.*41A>G (NM_000509.6).
Identifiers: ClinVar variation 902203 (VCV000902203.4), dbSNP rs146143405, ClinGen allele CA3115428.

ClinVar aggregate classification (germline): Likely benign (1 of 4 stars; one submission).

Conditions:
Congenital afibrinogenemia. Identifiers: Orphanet 335, Orphanet 98880, MedGen C2584774, MONDO:0008737, OMIM 202400.

Allele frequency attached by ClinVar (database versions not stated): gnomAD exomes 0.00014 and 0.00033; ExAC 0.00063; gnomAD 0.00128 and 0.00140; ESP Exome Variant Server 0.00140; TOPMed 0.00156; 1000 Genomes Project 0.00160; 1000 Genomes Project 30x 0.00172.
gnomAD v4.1: 404 of 1,481,592 alleles (0.027%); highest among the groups gnomAD compares: African/African-American, 0.43%; no homozygotes.

Submission:

Illumina Laboratory Services, Illumina
Classification: Likely benign for Congenital afibrinogenemia. Last evaluated: 2018-01-13. Review status: criteria provided, single submitter. Criteria: ICSL Variant Classification Criteria 13 December 2019. Collection method: clinical testing. Allele origin: germline.
Comment: This variant was observed in the ICSL laboratory as part of a predisposition screen in an ostensibly healthy population. It had not been previously curated by ICSL or reported in the Human Gene Mutation Database (HGMD: prior to June 1st, 2018), and was therefore a candidate for classification through an automated scoring system. Utilizing variant allele frequency, disease prevalence and penetrance estimates, and inheritance mode, an automated score was calculated to assess if this variant is too frequent to cause the disease. Based on the score and internal cut-off values, a variant classified as likely benign is not then subjected to further curation. The score for this variant resulted in a classification of likely benign for this disease.